The following is an entry in ClinVar:

NM_001035.3(RYR2):c.11380_11388del (p.Ala3794_Leu3796del)

Gene: RYR2 (ryanodine receptor 2; plus strand). Cytogenetic location: 1q43.
Variant type: Deletion.
Coding change: c.11380_11388del on transcript NM_001035.3 (MANE Select); coding-DNA positions 11380 to 11388, 9 bases deleted (GCCGGCCTG; older notation c.11380_11388delGCCGGCCTG).
Protein change: p.Ala3794_Leu3796del.
Molecular consequence: inframe deletion.
Genome position (GRCh38, 1-based): chr1:237,759,830-237,759,838, GCCGGCCTG deleted; deleting any 9 consecutive bases within chr1:237,759,825-237,759,838 gives the same sequence; the c. name uses the placement nearest the transcript's 3' end. VCF-style (leftmost placement, unchanged base first): chr1-237759824-AGCCTGGCCG-A. GRCh37 (hg19) VCF-style: chr1-237923124-AGCCTGGCCG-A.
Identifiers: ClinVar variation 933804 (VCV000933804.11), dbSNP rs1693267402, ClinGen allele CA1139656692.

ClinVar aggregate classification (germline): Likely pathogenic (1 of 4 stars; one submission).

Conditions:
Catecholaminergic polymorphic ventricular tachycardia 1. Also called: VENTRICULAR TACHYCARDIA, CATECHOLAMINERGIC POLYMORPHIC, 1, WITH OR WITHOUT ATRIAL DYSFUNCTION AND/OR DILATED CARDIOMYOPATHY; VENTRICULAR TACHYCARDIA, STRESS-INDUCED POLYMORPHIC 1; RYR2-Related Catecholaminergic Polymorphic Ventricular Tachycardia. Identifiers: Orphanet 3286, MedGen C1631597, MONDO:0011484, OMIM 604772.

Submission:

Labcorp Genetics (formerly Invitae), Labcorp
Classification: Likely pathogenic for Catecholaminergic polymorphic ventricular tachycardia 1. Last evaluated: 2019-07-03. Review status: criteria provided, single submitter. Criteria: Invitae Variant Classification Sherloc (09022015). Collection method: clinical testing. Allele origin: germline.
Comment: This variant, c.11380_11388del, results in the deletion of 3 amino acid(s) of the RYR2 protein (p.Ala3794_Leu3796del), but otherwise preserves the integrity of the reading frame. This variant is not present in population databases (ExAC no frequency). Experimental studies and prediction algorithms are not available or were not evaluated for this variant, and the functional significance of the affected amino acid(s) is currently unknown. In summary, the currently available evidence indicates that the variant is pathogenic, but additional data are needed to prove that conclusively. Therefore, this variant has been classified as Likely Pathogenic.